The following is an entry in ClinVar:

ClinVar aggregate classification (germline): Conflicting classifications of pathogenicity. Review status: criteria provided, conflicting classifications (1 of 4 stars). 3 submissions from 3 submitters: Likely pathogenic (1); Uncertain significance (2). Last evaluated 2026-06-01.

Conditions:
Developmental and epileptic encephalopathy, 32 (DEE32). Also called: Epileptic encephalopathy, early infantile, 32. Identifiers: Orphanet 442835, MedGen C4225350, MONDO:0014607, OMIM 616366.

Allele frequency attached by ClinVar (database versions not stated): gnomAD exomes below 0.00001.
gnomAD v4.1: 1 of 1,614,158 alleles (0.000062%); highest among the groups gnomAD compares: Non-Finnish European, 0.000085%; no homozygotes.

Submissions (3):

CeGaT Center for Human Genetics Tuebingen
Classification: Uncertain significance. Last evaluated: 2026-06-01. Review status: criteria provided, single submitter. Criteria: CeGaT Center For Human Genetics Tuebingen Variant Classification Criteria Version 2. Collection method: clinical testing. Allele origin: germline. Affected: yes. Observed: 2 variant alleles.
Comment: KCNA2: PVS1:Moderate, PM2:Supporting, PS4:Supporting

Labcorp Genetics (formerly Invitae), Labcorp
Classification: Uncertain significance for Developmental and epileptic encephalopathy, 32. Last evaluated: 2024-04-01. Review status: criteria provided, single submitter. Criteria: Invitae Variant Classification Sherloc (09022015). Collection method: clinical testing. Allele origin: germline.
Comment: This sequence change creates a premature translational stop signal (p.Arg73*) in the KCNA2 gene. While this is not anticipated to result in nonsense mediated decay, it is expected to disrupt the last 427 amino acid(s) of the KCNA2 protein. This variant is not present in population databases (gnomAD no frequency). This variant has not been reported in the literature in individuals affected with KCNA2-related conditions. ClinVar contains an entry for this variant (Variation ID: 647782). Experimental studies and prediction algorithms are not available or were not evaluated, and the functional significance of this variant is currently unknown. In summary, the available evidence is currently insufficient to determine the role of this variant in disease. Therefore, it has been classified as a Variant of Uncertain Significance.

GeneDx
Classification: Likely pathogenic. Last evaluated: 2022-07-13. Review status: criteria provided, single submitter. Criteria: GeneDx Variant Classification Process June 2021. Collection method: clinical testing. Allele origin: germline. Affected: yes.
Comment: Nonsense variant in the C-terminus predicted to result in protein truncation, as the last 472 amino acids are lost, and other loss-of-function variants have been reported downstream in the Human Gene Mutation Database (HGMD); Not observed in large population cohorts (gnomAD); Has not been previously published as pathogenic or benign to our knowledge; This variant is associated with the following publications: (PMID: 24077912)

NM_004974.4(KCNA2):c.217C>T (p.Arg73Ter)

Gene: KCNA2 (potassium voltage-gated channel subfamily A member 2; minus strand). Cytogenetic location: 1p13.3.
Variant type: single nucleotide variant.
Coding change: c.217C>T on transcript NM_004974.4 (MANE Select); coding-DNA position 217, C replaced by T.
Protein change: p.Arg73Ter; replaces arginine 73 with a stop codon.
Molecular consequence: nonsense.
Genome position (GRCh38, 1-based): chr1:110,604,566, G>A on the plus strand (C>T on the coding strand, the complement: KCNA2 is on the minus strand). VCF-style: chr1-110604566-G-A. GRCh37 (hg19) VCF-style: chr1-111147188-G-A.
Other names: c.217C>T, p.Arg73Ter (NM_001204269.2); short protein forms R73*.
Identifiers: ClinVar variation 647782 (VCV000647782.17), dbSNP rs1570753974, ClinGen allele CA341606364.